The following is an entry in ClinVar:

ClinVar aggregate classification (germline): Uncertain significance (1 of 4 stars; one submission).

Conditions:
Hereditary cancer-predisposing syndrome. Also called: Neoplastic Syndromes, Hereditary; Tumor predisposition; Hereditary Cancer Syndrome; Hereditary neoplastic syndrome. Identifiers: Orphanet 140162, MedGen C0027672, MeSH D009386, MONDO:0015356.

gnomAD v4.1: 1 of 1,608,386 alleles (0.000062%); no homozygotes.

Submission:

Ambry Genetics
Classification: Uncertain significance for Hereditary cancer-predisposing syndrome. Last evaluated: 2023-07-10. Review status: criteria provided, single submitter. Criteria: Ambry Variant Classification Scheme 2023. Collection method: clinical testing. Allele origin: germline.
Comment: The p.R217G variant (also known as c.649A>G), located in coding exon 6 of the APC gene, results from an A to G substitution at nucleotide position 649. The arginine at codon 217 is replaced by glycine, an amino acid with dissimilar properties. This amino acid position is highly conserved in available vertebrate species. In addition, in silico predictors for this gene do not accurately predict pathogenicity. Since supporting evidence is limited at this time, the clinical significance of this alteration remains unclear.

NM_000038.6(APC):c.649A>G (p.Arg217Gly)

Gene: APC (APC regulator of Wnt signaling pathway; plus strand). Cytogenetic location: 5q22.2.
Variant type: single nucleotide variant.
Coding change: c.649A>G on transcript NM_000038.6 (MANE Select); coding-DNA position 649, A replaced by G.
Protein change: p.Arg217Gly; replaces arginine 217 with glycine.
Molecular consequence: missense variant. On other transcripts: 5 prime UTR variant (1), intron variant (2).
Genome position (GRCh38, 1-based): chr5:112,792,449, A>G. VCF-style: chr5-112792449-A-G. GRCh37 (hg19) VCF-style: chr5-112128146-A-G.
Other names: c.649A>G, p.Arg217Gly (NM_001127510.3, NM_001354895.2, NM_001354896.2 and 12 more transcripts); c.679A>G, p.Arg227Gly (NM_001354897.2, NM_001354902.2, NM_001407446.1); c.574A>G, p.Arg192Gly (NM_001354898.2, NM_001354904.2, NM_001407451.1); c.472A>G, p.Arg158Gly (NM_001354900.2, NM_001354901.2, NM_001354905.2 and 1 more transcripts); c.-387A>G (NM_001354906.2, NM_001407470.1, NM_001407471.1 and 1 more transcripts); c.676-8830A>G (NM_001127511.3); c.646-8830A>G (NM_001354899.2); short protein forms R227G, R158G, R192G, R217G.
Identifiers: ClinVar variation 1753863 (VCV001753863.3), dbSNP rs2532631243, ClinGen allele CA16022753.